The following is an entry in ClinVar:

ClinVar aggregate classification (germline): Uncertain significance (1 of 4 stars; one submission).

Conditions:
Hypertrophic cardiomyopathy 26. Also called: Cardiomyopathy, familial hypertrophic, 26. Identifiers: Orphanet 75249, MedGen C4310749, MONDO:0014883, OMIM 617047.
Myofibrillar myopathy 5. Also called: Filaminopathy (type); FILAMINOPATHY, AUTOSOMAL DOMINANT. Identifiers: Orphanet 171445, MedGen C1836050, MONDO:0012289, OMIM 609524.
Distal myopathy with posterior leg and anterior hand involvement. Also called: WILLIAMS DISTAL MYOPATHY. Identifiers: Orphanet 63273, MedGen C3279722, MONDO:0013550, OMIM 614065.

Submission:

Labcorp Genetics (formerly Invitae), Labcorp
Classification: Uncertain significance for Distal myopathy with posterior leg and anterior hand involvement; Myofibrillar myopathy 5; Hypertrophic cardiomyopathy 26. Last evaluated: 2025-08-05. Review status: criteria provided, single submitter. Criteria: Invitae Variant Classification Sherloc (09022015). Collection method: clinical testing. Allele origin: germline.
Comment: This sequence change replaces cysteine, which is neutral and slightly polar, with arginine, which is basic and polar, at codon 2096 of the FLNC protein (p.Cys2096Arg). This variant is not present in population databases (gnomAD no frequency). This variant has not been reported in the literature in individuals affected with FLNC-related conditions. Invitae Evidence Modeling of protein sequence and biophysical properties (such as structural, functional, and spatial information, amino acid conservation, physicochemical variation, residue mobility, and thermodynamic stability) has been performed for this missense variant. However, the output from this modeling did not meet the statistical confidence thresholds required to predict the impact of this variant on FLNC protein function. In summary, the available evidence is currently insufficient to determine the role of this variant in disease. Therefore, it has been classified as a Variant of Uncertain Significance.

NM_001458.5(FLNC):c.6286T>C (p.Cys2096Arg)

Genes: FLNC (filamin C; plus strand), FLNC-AS1 (FLNC antisense RNA 1; minus strand). Cytogenetic location: 7q32.1.
Variant type: single nucleotide variant.
Coding change: c.6286T>C on transcript NM_001458.5 (MANE Select); coding-DNA position 6286, T replaced by C.
Protein change: p.Cys2096Arg; replaces cysteine 2096 with arginine.
Molecular consequence: missense variant.
Genome position (GRCh38, 1-based): chr7:128,853,546, T>C. VCF-style: chr7-128853546-T-C. GRCh37 (hg19) VCF-style: chr7-128493600-T-C.
Other names: c.6187T>C, p.Cys2063Arg (NM_001127487.2); short protein forms C2063R, C2096R.
Identifiers: ClinVar variation 4812434 (VCV004812434.1).